The following is an entry in ClinVar:

NM_001252102.2(KIF21B):c.2995T>C (p.Cys999Arg)

Gene: KIF21B (kinesin family member 21B; minus strand). Cytogenetic location: 1q32.1.
Variant type: single nucleotide variant.
Coding change: c.2995T>C on transcript NM_001252102.2 (MANE Select); coding-DNA position 2995, T replaced by C.
Protein change: p.Cys999Arg; replaces cysteine 999 with arginine.
Molecular consequence: missense variant.
Genome position (GRCh38, 1-based): chr1:200,990,173, A>G on the plus strand (T>C on the coding strand, the complement: KIF21B is on the minus strand). VCF-style: chr1-200990173-A-G. GRCh37 (hg19) VCF-style: chr1-200959301-A-G.
Other names: c.2995T>C, p.Cys999Arg (NM_001252100.2, NM_001252103.2, NM_017596.4); short protein forms C999R.
Identifiers: ClinVar variation 3777445 (VCV003777445.1).

ClinVar aggregate classification (germline): Uncertain significance (1 of 4 stars; one submission).

Submission:

GeneDx
Classification: Uncertain significance. Last evaluated: 2024-10-08. Review status: criteria provided, single submitter. Criteria: GeneDx Variant Classification Process June 2021. Collection method: clinical testing. Allele origin: germline. Affected: yes.
Comment: Not observed at significant frequency in large population cohorts (gnomAD); In silico analysis supports that this missense variant has a deleterious effect on protein structure/function; Has not been previously published as pathogenic or benign to our knowledge